The following is an entry in ClinVar:

NC_000001.10:g.(?_215987078)_(216108137_?)dup

Gene: USH2A (usherin; minus strand). Cytogenetic location: 1q41.
Variant type: Duplication.
Identifiers: ClinVar variation 1054569 (VCV001054569.5).

ClinVar aggregate classification (germline): Uncertain significance (1 of 4 stars; one submission).

Submission:

Labcorp Genetics (formerly Invitae), Labcorp
Classification: Uncertain significance. Last evaluated: 2020-08-25. Review status: criteria provided, single submitter. Criteria: Invitae Variant Classification Sherloc (09022015). Collection method: clinical testing. Allele origin: germline.
Comment: In summary, the available evidence is currently insufficient to determine the role of this variant in disease. Therefore, it has been classified as a Variant of Uncertain Significance. Experimental studies and prediction algorithms are not available or were not evaluated, and the functional significance of this variant is currently unknown. This variant has not been reported in the literature in individuals with USH2A-related conditions. This variant results in a copy number gain of the genomic region encompassing exons 38-49 of the USH2A gene. While the exact position of this variant cannot be determined from this data, sub-genic copy number gains are generally in tandem (PMID: 25640679). This variant would be expected to be in-frame, preserving the integrity of the reading frame.

Literature cited by the submitters: PubMed 25640679.